The following is an entry in ClinVar:

NM_003036.4(SKI):c.349G>A (p.Gly117Ser)

Gene: SKI (SKI proto-oncogene; plus strand). Cytogenetic location: 1p36.33.
Variant type: single nucleotide variant.
Coding change: c.349G>A on transcript NM_003036.4 (MANE Select); coding-DNA position 349, G replaced by A.
Protein change: p.Gly117Ser; replaces glycine 117 with serine.
Molecular consequence: missense variant.
Genome position (GRCh38, 1-based): chr1:2,229,115, G>A. VCF-style: chr1-2229115-G-A. GRCh37 (hg19) VCF-style: chr1-2160554-G-A.
Other names: short protein forms G117S.
Identifiers: ClinVar variation 1196933 (VCV001196933.12), dbSNP rs869312901, ClinGen allele CA337952718.

ClinVar aggregate classification (germline): Pathogenic/Likely pathogenic. Review status: criteria provided, multiple submitters, no conflicts (2 of 4 stars). 4 submissions from 4 submitters: Pathogenic (2); Likely pathogenic (2). Last evaluated 2025-12-08.

Conditions:
Shprintzen-Goldberg syndrome (SGS). Also called: SHPRINTZEN-GOLDBERG CRANIOSYNOSTOSIS SYNDROME; Marfanoid disorder with craniosynostosis type 1; Marfanoid craniosynostosis syndrome; Shprintzen-Goldberg marfanoid syndrome; CRANIOSYNOSTOSIS WITH ARACHNODACTYLY AND ABDOMINAL HERNIAS. Identifiers: Orphanet 2462, MedGen C1321551, MONDO:0008426, OMIM 182212.
Intellectual disability. Also called: Intellectual functioning disability; intellectual disabilities; Intellectual developmental disorder. Identifiers: MedGen C3714756, MeSH D008607, MONDO:0001071, HP:0001249.

Submissions (4):

Labcorp Genetics (formerly Invitae), Labcorp
Classification: Pathogenic for Shprintzen-Goldberg syndrome. Last evaluated: 2025-12-08. Review status: criteria provided, single submitter. Criteria: Invitae Variant Classification Sherloc (09022015). Collection method: clinical testing. Allele origin: germline.
Comment: This sequence change replaces glycine, which is neutral and non-polar, with serine, which is neutral and polar, at codon 117 of the SKI protein (p.Gly117Ser). This variant is not present in population databases (gnomAD no frequency). This missense change has been observed in individual(s) with clinical features of Shprintzen-Goldberg syndrome (internal data). In at least one individual the variant was observed to be de novo. ClinVar contains an entry for this variant (Variation ID: 1196933). Invitae Evidence Modeling of protein sequence and biophysical properties (such as structural, functional, and spatial information, amino acid conservation, physicochemical variation, residue mobility, and thermodynamic stability) indicates that this missense variant is expected to disrupt SKI protein function with a positive predictive value of 95%. For these reasons, this variant has been classified as Pathogenic.

AiLife Diagnostics
Classification: Likely pathogenic. Last evaluated: 2021-06-03. Review status: criteria provided, single submitter. Criteria: ACMG Guidelines, 2015. Collection method: clinical testing. Allele origin: de novo. Affected: yes. Observed: 1 variant allele.

GeneDx
Classification: Likely pathogenic. Last evaluated: 2021-03-02. Review status: criteria provided, single submitter. Criteria: GeneDx Variant Classification Process June 2021. Collection method: clinical testing. Allele origin: germline. Affected: yes.
Comment: Has not been previously published as pathogenic or benign to our knowledge; Not observed in large population cohorts (Lek et al., 2016); In silico analysis supports that this missense variant has a deleterious effect on protein structure/function

Cambridge Genomics Laboratory, East Genomic Laboratory Hub, NHS Genomic Medicine Service
Classification: Pathogenic for Intellectual disability. Last evaluated: 2020-02-19. Review status: criteria provided, single submitter. Criteria: ACGS Best Practice Guidelines for Variant Classification in Rare Disease 2020. Collection method: clinical testing. Allele origin: germline. Affected: yes. Observed: 1 variant allele.